The following is an entry in ClinVar:

NM_014781.5(RB1CC1):c.3703_3706del (p.Asn1235fs)

Gene: RB1CC1 (RB1 inducible coiled-coil 1; minus strand). Cytogenetic location: 8q11.23.
Variant type: Deletion.
Coding change: c.3703_3706del on transcript NM_014781.5 (MANE Select); coding-DNA positions 3703 to 3706, 4 bases deleted (AATT; older notation c.3703_3706delAATT).
Protein change: p.Asn1235fs; shifts the reading frame from asparagine 1235.
Molecular consequence: frameshift variant.
Genome position (GRCh38, 1-based): chr8:52,656,123-52,656,126, AATT deleted on the plus strand (AATT on the coding strand, the reverse complement: RB1CC1 is on the minus strand); deleting any 4 consecutive bases within chr8:52,656,123-52,656,128 gives the same sequence; the c. name uses the placement nearest the transcript's 3' end. VCF-style (leftmost placement, unchanged base first): chr8-52656122-CAATT-C. GRCh37 (hg19) VCF-style: chr8-53568682-CAATT-C.
Other names: c.3703_3706del, p.Asn1235fs (NM_001083617.2); short protein forms N1235fs.
Identifiers: ClinVar variation 2658599 (VCV002658599.24), dbSNP rs2487394007, ClinGen allele CA2695201466.
Genomic context (GRCh38, chr8:52,656,122, plus strand): 5'-ACAACTTCTCTCTCCAATTTAAATTCTTTTAGGGCAGTCTGAATAGCTTCATCTTTTTCA[CAATT>C]AAGCTTCTGAATTAACTGTTCTCTGTCTTGCTCCTGGCTGCTGACCAATTTTTGTCTGTC-3'

ClinVar aggregate classification (germline): Uncertain significance (1 of 4 stars; one submission).

Submission:

CeGaT Center for Human Genetics Tuebingen
Classification: Uncertain significance. Last evaluated: 2023-07-01. Review status: criteria provided, single submitter. Criteria: CeGaT Center For Human Genetics Tuebingen Variant Classification Criteria Version 2. Collection method: clinical testing. Allele origin: germline. Affected: yes. Observed: 1 variant allele.
Comment: RB1CC1: PM2